The following is an entry in ClinVar:

NC_000017.10:g.(?_41197675)_(41209172_?)dup

Gene: BRCA1 (BRCA1 DNA repair associated; minus strand). Cytogenetic location: 17q21.31.
Variant type: Duplication.
Identifiers: ClinVar variation 652385 (VCV000652385.4).

ClinVar aggregate classification (germline): Uncertain significance (1 of 4 stars; one submission).

Conditions:
Hereditary breast ovarian cancer syndrome. Also called: Breast and ovarian cancer; BRCA1- and BRCA2-Associated Hereditary Breast and Ovarian Cancer; Hereditary breast and ovarian cancer; Hereditary breast and/or ovarian cancer syndrome; Hereditary breast and ovarian cancer syndrome; Hereditary breast and ovarian cancer syndrome (HBOC). Identifiers: Orphanet 145, MedGen C0677776, MeSH D061325, MONDO:0003582. Disease mechanism: loss of function.

Submission:

Labcorp Genetics (formerly Invitae), Labcorp
Classification: Uncertain significance for Hereditary breast ovarian cancer syndrome. Last evaluated: 2019-10-19. Review status: criteria provided, single submitter. Criteria: Invitae Variant Classification Sherloc (09022015). Collection method: clinical testing. Allele origin: germline.
Comment: In summary, the available evidence is currently insufficient to determine the role of this variant in disease. Therefore, it has been classified as a Variant of Uncertain Significance. A similar copy number gain has been observed in an individual affected with breast cancer (PMID: 26187060). Due to alternative exon numbering, this variant is also known as duplication of exons 20-24 in the literature. This variant results in a copy number gain of the genomic region encompassing exons 19-23 of the BRCA1 gene. The 5' boundary is likely confined to intron 18. The 3' end of this event is unknown as it extends beyond the assayed region for this gene and therefore may encompass additional genes. As the precise location of this event is unknown, it may be in tandem or it may be located elsewhere in the genome.

Literature cited by the submitters: PubMed 26187060.